The following is an entry in ClinVar:

NM_012154.5(AGO2):c.87C>T (p.Pro29=)

Gene: AGO2 (argonaute RISC catalytic component 2; minus strand). Cytogenetic location: 8q24.3.
Variant type: single nucleotide variant.
Coding change: c.87C>T on transcript NM_012154.5 (MANE Select); coding-DNA position 87, C replaced by T.
Protein change: p.Pro29=; no amino-acid change (proline 29 retained).
Molecular consequence: synonymous variant.
Genome position (GRCh38, 1-based): chr8:140,585,247, G>A on the plus strand (C>T on the coding strand, the complement: AGO2 is on the minus strand). VCF-style: chr8-140585247-G-A. GRCh37 (hg19) VCF-style: chr8-141595346-G-A.
Other names: c.87C>T, p.Pro29= (NM_001164623.3).
Identifiers: ClinVar variation 5040905 (VCV005040905.1).

ClinVar aggregate classification (germline): Likely benign (1 of 4 stars; one submission).

gnomAD v4.1: 354 of 1,614,148 alleles (0.022%); highest among the groups gnomAD compares: South Asian, 0.1%; 1 homozygote.

Submission:

CeGaT Center for Human Genetics Tuebingen
Classification: Likely benign. Last evaluated: 2026-09-01. Review status: criteria provided, single submitter. Criteria: CeGaT Center For Human Genetics Tuebingen Variant Classification Criteria Version 2. Collection method: clinical testing. Allele origin: germline. Affected: yes. Observed: 1 variant allele.
Comment: AGO2: BP4, BP7